The following is an entry in ClinVar:

NM_000245.4(MET):c.246T>G (p.Ala82=)

Gene: MET (MET proto-oncogene, receptor tyrosine kinase; plus strand). Cytogenetic location: 7q31.2.
Variant type: single nucleotide variant.
Coding change: c.246T>G on transcript NM_000245.4 (MANE Select); coding-DNA position 246, T replaced by G.
Protein change: p.Ala82=; no amino-acid change (alanine 82 retained).
Molecular consequence: synonymous variant. On other transcripts: intron variant (1).
Genome position (GRCh38, 1-based): chr7:116,699,330, T>G. VCF-style: chr7-116699330-T-G. GRCh37 (hg19) VCF-style: chr7-116339384-T-G.
Other names: c.246T>G, p.Ala82= (NM_001127500.3, NM_001324401.3); c.-91+26753T>G (NM_001324402.2).
Identifiers: ClinVar variation 3773451 (VCV003773451.1).

ClinVar aggregate classification (germline): Benign (1 of 4 stars; one submission).

Conditions:
Papillary renal cell carcinoma type 1 (RCCP1). Also called: RENAL CELL CARCINOMA, PAPILLARY, 1, SOMATIC; Renal adenocarcinoma; Renal cell carcinoma 1; Renal cell carcinoma, somatic. Identifiers: Orphanet 47044, MedGen C1336839, OMIM 605074, HP:0011797.

Submission:

Myriad Genetics, Inc.
Classification: Benign for Papillary renal cell carcinoma type 1. Last evaluated: 2024-11-06. Review status: criteria provided, single submitter. Criteria: Myriad Autosomal Dominant, Autosomal Recessive and X-Linked Classification Criteria (2023). Collection method: clinical testing. Allele origin: unknown.
Comment: This variant is considered benign. This variant is a silent/synonymous amino acid change and it is not expected to impact splicing.